The following is an entry in ClinVar:

NM_000368.5(TSC1):c.1668C>A (p.Asp556Glu)

Gene: TSC1 (TSC complex subunit 1; minus strand). Cytogenetic location: 9q34.13.
Variant type: single nucleotide variant.
Coding change: c.1668C>A on transcript NM_000368.5 (MANE Select); coding-DNA position 1668, C replaced by A.
Protein change: p.Asp556Glu; replaces aspartic acid 556 with glutamic acid.
Molecular consequence: missense variant.
Genome position (GRCh38, 1-based): chr9:132,905,910, G>T on the plus strand (C>A on the coding strand, the complement: TSC1 is on the minus strand). VCF-style: chr9-132905910-G-T. GRCh37 (hg19) VCF-style: chr9-135781297-G-T.
Other names: c.1665C>A, p.Asp555Glu (NM_001162426.2); c.1515C>A, p.Asp505Glu (NM_001162427.2); c.1305C>A, p.Asp435Glu (NM_001362177.2); short protein forms D435E, D556E, D555E, D505E.
Identifiers: ClinVar variation 834934 (VCV000834934.14), dbSNP rs1845637294, ClinGen allele CA375364342.

ClinVar aggregate classification (germline): Conflicting classifications of pathogenicity. Review status: criteria provided, conflicting classifications (1 of 4 stars). 3 submissions from 3 submitters: Uncertain significance (1); Benign (1); Likely benign (1). Last evaluated 2025-06-02.

Conditions:
Hereditary cancer-predisposing syndrome. Also called: Neoplastic Syndromes, Hereditary; Hereditary neoplastic syndrome; Tumor predisposition; Hereditary Cancer Syndrome. Identifiers: Orphanet 140162, MedGen C0027672, MeSH D009386, MONDO:0015356.
Tuberous sclerosis 1 (TSC1). Identifiers: Orphanet 805, MedGen C1854465, MONDO:0008612, OMIM 191100.

Allele frequency attached by ClinVar (database versions not stated): TOPMed below 0.00001.

Submissions (3):

Labcorp Genetics (formerly Invitae), Labcorp
Classification: Benign for Tuberous sclerosis 1. Last evaluated: 2025-06-02. Review status: criteria provided, single submitter. Criteria: Invitae Variant Classification Sherloc (09022015). Collection method: clinical testing. Allele origin: germline.

Ambry Genetics
Classification: Likely benign for Hereditary cancer-predisposing syndrome. Last evaluated: 2024-11-21. Review status: criteria provided, single submitter. Criteria: Ambry Variant Classification Scheme 2023. Collection method: clinical testing. Allele origin: germline.

GeneDx
Classification: Uncertain significance. Last evaluated: 2023-08-25. Review status: criteria provided, single submitter. Criteria: GeneDx Variant Classification Process June 2021. Collection method: clinical testing. Allele origin: germline. Affected: yes.
Comment: Not observed at significant frequency in large population cohorts (gnomAD); In silico analysis supports that this missense variant does not alter protein structure/function; Has not been previously published as pathogenic or benign to our knowledge